The following is an entry in ClinVar:

NM_001367624.2(ZNF469):c.6772A>G (p.Lys2258Glu)

Gene: ZNF469 (zinc finger protein 469; plus strand). Cytogenetic location: 16q24.2.
Variant type: single nucleotide variant.
Coding change: c.6772A>G on transcript NM_001367624.2 (MANE Select); coding-DNA position 6772, A replaced by G.
Protein change: p.Lys2258Glu; replaces lysine 2258 with glutamic acid.
Molecular consequence: missense variant.
Genome position (GRCh38, 1-based): chr16:88,434,242, A>G. VCF-style: chr16-88434242-A-G. GRCh37 (hg19) VCF-style: chr16-88500650-A-G.
Other names: NM_001127464.1:c.6688A>G; short protein forms K2258E.
Identifiers: ClinVar variation 3476238 (VCV003476238.1).
Genomic context (GRCh38, chr16:88,434,242, plus strand): 5'-TGCACTCACAGTGGGGACACCCCCAAAGACAGCACTTTAAGAATTCCAGAGGATTCCAGA[A>G]AAGAGAAGCTGTGGGAGTCTCCTGGCCGAGCCACCTCTCCTCCTCTGGCAGGGGCCGTCT-3'
Protein context (NP_001354553.1, residues 2248-2268): STLRIPEDSR[Lys2258Glu]EKLWESPGRA

ClinVar aggregate classification (germline): Uncertain significance (1 of 4 stars; one submission).

Conditions:
Cardiovascular phenotype. Identifiers: MedGen CN230736.

Submission:

Ambry Genetics
Classification: Uncertain significance for Cardiovascular phenotype. Last evaluated: 2024-10-15. Review status: criteria provided, single submitter. Criteria: Ambry Variant Classification Scheme 2023. Collection method: clinical testing. Allele origin: germline.
Comment: The p.K2230E variant (also known as c.6688A>G), located in coding exon 2 of the ZNF469 gene, results from an A to G substitution at nucleotide position 6688. The lysine at codon 2230 is replaced by glutamic acid, an amino acid with similar properties. This amino acid position is conserved. In addition, this alteration is predicted to be tolerated by in silico analysis. Based on the available evidence, the clinical significance of this variant remains unclear.